The following is an entry in ClinVar:

NM_006516.4(SLC2A1):c.994G>A (p.Gly332Ser)

Gene: SLC2A1 (solute carrier family 2 member 1; minus strand). Cytogenetic location: 1p34.2.
Variant type: single nucleotide variant.
Coding change: c.994G>A on transcript NM_006516.4 (MANE Select); coding-DNA position 994, G replaced by A.
Protein change: p.Gly332Ser; replaces glycine 332 with serine.
Molecular consequence: missense variant.
Genome position (GRCh38, 1-based): chr1:42,929,012, C>T on the plus strand (G>A on the coding strand, the complement: SLC2A1 is on the minus strand). VCF-style: chr1-42929012-C-T. GRCh37 (hg19) VCF-style: chr1-43394683-C-T.
Other names: short protein forms G332S.
Identifiers: ClinVar variation 1469962 (VCV001469962.6), dbSNP rs1643457707, ClinGen allele CA339956046.

ClinVar aggregate classification (germline): Uncertain significance (1 of 4 stars; one submission).

Conditions:
GLUT1 deficiency syndrome 1, autosomal recessive. Identifiers: MedGen C3149117.

Submission:

Labcorp Genetics (formerly Invitae), Labcorp
Classification: Uncertain significance for GLUT1 deficiency syndrome 1, autosomal recessive. Last evaluated: 2021-10-29. Review status: criteria provided, single submitter. Criteria: Invitae Variant Classification Sherloc (09022015). Collection method: clinical testing. Allele origin: germline.
Comment: In summary, the available evidence is currently insufficient to determine the role of this variant in disease. Therefore, it has been classified as a Variant of Uncertain Significance. Advanced modeling of protein sequence and biophysical properties (such as structural, functional, and spatial information, amino acid conservation, physicochemical variation, residue mobility, and thermodynamic stability) performed at Invitae indicates that this missense variant is expected to disrupt SLC2A1 protein function. This variant has not been reported in the literature in individuals affected with SLC2A1-related conditions. This variant is not present in population databases (gnomAD no frequency). This sequence change replaces glycine, which is neutral and non-polar, with serine, which is neutral and polar, at codon 332 of the SLC2A1 protein (p.Gly332Ser).